The following is an entry in ClinVar:

NM_003659.4(AGPS):c.549del (p.Phe184fs)

Gene: AGPS (alkylglycerone phosphate synthase; plus strand). Cytogenetic location: 2q31.2.
Variant type: Deletion.
Coding change: c.549del on transcript NM_003659.4 (MANE Select); coding-DNA position 549, one base deleted (A; older notation c.549delA).
Protein change: p.Phe184fs; shifts the reading frame from phenylalanine 184.
Molecular consequence: frameshift variant.
Genome position (GRCh38, 1-based): chr2:177,436,871, A deleted. VCF-style (leftmost placement, unchanged base first): chr2-177436870-TA-T. GRCh37 (hg19) VCF-style: chr2-178301598-TA-T.
Other names: short protein forms F184fs.
Identifiers: ClinVar variation 4710499 (VCV004710499.1).
Genomic context (GRCh38, chr2:177,436,870, plus strand): 5'-ATTTTCTTCATGACCTTAAAGAAACTAATATTTCATATTCACAAGAGGCAGATGATCGAG[TA>T]TTTAGAGCTCATGGTAAGTTACTTTATATTAGCCCTATTTATTTTTAACAAAAAAATTCT-3'

ClinVar aggregate classification (germline): Pathogenic (1 of 4 stars; one submission).

Submission:

Labcorp Genetics (formerly Invitae), Labcorp
Classification: Pathogenic. Last evaluated: 2025-09-04. Review status: criteria provided, single submitter. Criteria: Invitae Variant Classification Sherloc (09022015). Collection method: clinical testing. Allele origin: germline.
Comment: This sequence change creates a premature translational stop signal (p.Phe184Leufs*25) in the AGPS gene. It is expected to result in an absent or disrupted protein product. Loss-of-function variants in AGPS are known to be pathogenic (PMID: 21990100, 35070570, 35986576). This variant is not present in population databases (gnomAD no frequency). This variant has not been reported in the literature in individuals affected with AGPS-related conditions. For these reasons, this variant has been classified as Pathogenic.

Literature cited by the submitters: PubMed 21990100; PubMed 35070570; PubMed 35986576.